The following is an entry in ClinVar:

NM_005419.4(STAT2):c.1922T>C (p.Leu641Pro)

Gene: STAT2 (signal transducer and activator of transcription 2; minus strand). Cytogenetic location: 12q13.3.
Variant type: single nucleotide variant.
Coding change: c.1922T>C on transcript NM_005419.4 (MANE Select); coding-DNA position 1922, T replaced by C.
Protein change: p.Leu641Pro; replaces leucine 641 with proline.
Molecular consequence: missense variant.
Genome position (GRCh38, 1-based): chr12:56,346,564, A>G on the plus strand (T>C on the coding strand, the complement: STAT2 is on the minus strand). VCF-style: chr12-56346564-A-G. GRCh37 (hg19) VCF-style: chr12-56740348-A-G.
Other names: c.1910T>C, p.Leu637Pro (NM_198332.2); short protein forms L637P, L641P.
Identifiers: ClinVar variation 940253 (VCV000940253.9), dbSNP rs751279183, ClinGen allele CA6630361.
Genomic context (GRCh38, chr12:56,346,564, plus strand): 5'-AGTGGGTTTTCAGGTATATTCTCCTCAGTGAGCAACTGGTAATGGCGGATGATTTCAGTC[A>G]GCGGGAGTGACTGCAGCACCTCCTTCGTGTACGGTTGCACAGAGTAGATGAGCACCTTGT-3'
Protein context (NP_005410.1, residues 631-651): YTKEVLQSLP[Leu641Pro]TEIIRHYQLL

ClinVar aggregate classification (germline): Uncertain significance (1 of 4 stars; one submission).

Conditions:
Primary immunodeficiency with post-measles-mumps-rubella vaccine viral infection. Also called: Immunodeficiency 44. Identifiers: Orphanet 431166, MedGen C4225260, MONDO:0014715, OMIM 616636.

Allele frequency attached by ClinVar (database versions not stated): gnomAD exomes below 0.00001; ExAC 0.00001.
gnomAD v4.1: 1 of 1,614,224 alleles (0.000062%); highest among the groups gnomAD compares: Non-Finnish European, 0.000085%; no homozygotes.

Submission:

Labcorp Genetics (formerly Invitae), Labcorp
Classification: Uncertain significance for Primary immunodeficiency with post-measles-mumps-rubella vaccine viral infection. Last evaluated: 2023-08-17. Review status: criteria provided, single submitter. Criteria: Invitae Variant Classification Sherloc (09022015). Collection method: clinical testing. Allele origin: germline.
Comment: Advanced modeling of protein sequence and biophysical properties (such as structural, functional, and spatial information, amino acid conservation, physicochemical variation, residue mobility, and thermodynamic stability) performed at Invitae indicates that this missense variant is expected to disrupt STAT2 protein function. ClinVar contains an entry for this variant (Variation ID: 940253). This variant has not been reported in the literature in individuals affected with STAT2-related conditions. This variant is present in population databases (rs751279183, gnomAD 0.0009%). This sequence change replaces leucine, which is neutral and non-polar, with proline, which is neutral and non-polar, at codon 641 of the STAT2 protein (p.Leu641Pro). In summary, the available evidence is currently insufficient to determine the role of this variant in disease. Therefore, it has been classified as a Variant of Uncertain Significance.